The following is an entry in ClinVar:

NM_014921.5(ADGRL1):c.4245C>T (p.Pro1415=)

Genes: ADGRL1 (adhesion G protein-coupled receptor L1; minus strand), ADGRL1-AS1 (ADGRL1 antisense RNA 1; plus strand). Cytogenetic location: 19p13.12.
Variant type: single nucleotide variant.
Coding change: c.4245C>T on transcript NM_014921.5 (MANE Select); coding-DNA position 4245, C replaced by T.
Protein change: p.Pro1415=; no amino-acid change (proline 1415 retained).
Molecular consequence: synonymous variant.
Genome position (GRCh38, 1-based): chr19:14,151,038, G>A on the plus strand (C>T on the coding strand, the complement: ADGRL1 is on the minus strand). VCF-style: chr19-14151038-G-A. GRCh37 (hg19) VCF-style: chr19-14261850-G-A.
Other names: c.4260C>T, p.Pro1420= (NM_001008701.3).
Identifiers: ClinVar variation 5039479 (VCV005039479.1).

ClinVar aggregate classification (germline): Likely benign (1 of 4 stars; one submission).

gnomAD v4.1: 9 of 1,503,110 alleles (0.0006%); highest among the groups gnomAD compares: Admixed American, 0.0044%; no homozygotes.

Submission:

CeGaT Center for Human Genetics Tuebingen
Classification: Likely benign. Last evaluated: 2026-07-01. Review status: criteria provided, single submitter. Criteria: CeGaT Center For Human Genetics Tuebingen Variant Classification Criteria Version 2. Collection method: clinical testing. Allele origin: germline. Affected: yes. Observed: 1 variant allele.
Comment: ADGRL1: BP4, BP7